The following is an entry in ClinVar:

NM_015910.7(WDPCP):c.1916-6C>T

Gene: WDPCP (WD repeat containing planar cell polarity effector; minus strand). Cytogenetic location: 2p15.
Variant type: single nucleotide variant.
Coding change: c.1916-6C>T on transcript NM_015910.7 (MANE Select); 6 bases into the intron before coding-DNA position 1916, C replaced by T.
Molecular consequence: intron variant.
Genome position (GRCh38, 1-based): chr2:63,174,838, G>A on the plus strand (C>T on the coding strand, the complement: WDPCP is on the minus strand). VCF-style: chr2-63174838-G-A. GRCh37 (hg19) VCF-style: chr2-63401973-G-A.
Other names: c.1844-6C>T (NM_001354044.2); c.1439-6C>T (NM_001042692.3).
Identifiers: ClinVar variation 260680 (VCV000260680.21), dbSNP rs2421862, ClinGen allele CA1682049.
Genomic context (GRCh38, chr2:63,174,838, plus strand): 5'-AGGCCAATAAATGCTTCATTTAGCATATCCCCTCTGTCCAAGGGTCCCAGGAGTTCTGTT[G>A]AAAATGATTAATATGTGAGTGAAATACTAAGTACAATTTCTGCTAACTCCCTTATAAGTA-3'

ClinVar aggregate classification (germline): Benign. Review status: criteria provided, multiple submitters, no conflicts (2 of 4 stars). 7 submissions from 7 submitters: Benign (5). 2 of the submissions do not count toward it. Last evaluated 2026-02-04.

Conditions:
Bardet-Biedl syndrome (BBS). Identifiers: Orphanet 110, MedGen C0752166, MONDO:0015229.
Bardet-Biedl syndrome 15 (BBS15). Identifiers: Orphanet 110, MedGen C3150127, MONDO:0014443, OMIM 615992.

Allele frequency attached by ClinVar (database versions not stated): 1000 Genomes Project 30x 0.10103; 1000 Genomes Project 0.10383; TOPMed 0.14204; gnomAD 0.14585 and 0.14640; gnomAD exomes 0.15851 and 0.19549; ExAC 0.16111; ESP Exome Variant Server 0.16257.
gnomAD v4.1: 307,383 of 1,611,916 alleles (19%); highest among the groups gnomAD compares: Middle Eastern, 23%; 31,676 homozygotes.

Submissions (7):

Labcorp Genetics (formerly Invitae), Labcorp
Classification: Benign for Bardet-Biedl syndrome. Last evaluated: 2026-02-04. Review status: criteria provided, single submitter. Criteria: Invitae Variant Classification Sherloc (09022015). Collection method: clinical testing. Allele origin: germline.

Blueprint Genetics
Classification: Benign. Last evaluated: 2024-11-26. Review status: criteria provided, single submitter. Criteria: ACMG Guidelines, 2015. Collection method: clinical testing. Allele origin: germline.

Illumina Laboratory Services, Illumina
Classification: Benign for Bardet-Biedl syndrome 15. Last evaluated: 2018-01-13. Review status: criteria provided, single submitter. Criteria: ICSL Variant Classification Criteria 13 December 2019. Collection method: clinical testing. Allele origin: germline.
Comment: This variant was observed in the ICSL laboratory as part of a predisposition screen in an ostensibly healthy population. It had not been previously curated by ICSL or reported in the Human Gene Mutation Database (HGMD: prior to June 1st, 2018), and was therefore a candidate for classification through an automated scoring system. Utilizing variant allele frequency, disease prevalence and penetrance estimates, and inheritance mode, an automated score was calculated to assess if this variant is too frequent to cause the disease. Based on the score and internal cut-off values, a variant classified as benign is not then subjected to further curation. The score for this variant resulted in a classification of benign for this disease.

Breakthrough Genomics
Classification: Benign. Review status: criteria provided, single submitter. Criteria: ACMG Guidelines, 2015. Collection method: not provided. Allele origin: germline. Inheritance: Autosomal recessive inheritance. Affected: yes.

PreventionGenetics, part of Exact Sciences
Classification: Benign. Review status: criteria provided, single submitter. Criteria: ACMG Guidelines, 2015. Collection method: clinical testing. Allele origin: germline.

Clinical Genetics DNA and cytogenetics Diagnostics Lab, Erasmus MC, Erasmus Medical Center
Classification: Benign. Review status: no assertion criteria provided. Collection method: clinical testing. Allele origin: germline. Affected: yes. Study: VKGL Data-share Consensus. Not counted in ClinVar's aggregate classification.

Joint Genome Diagnostic Labs from Nijmegen and Maastricht, Radboudumc and MUMC+
Classification: Benign. Review status: no assertion criteria provided. Collection method: clinical testing. Allele origin: germline. Affected: yes. Study: VKGL Data-share Consensus. Not counted in ClinVar's aggregate classification.